The following is an entry in ClinVar:

ClinVar aggregate classification (germline): Uncertain significance (1 of 4 stars; one submission).

Conditions:
Inborn genetic diseases. Identifiers: MedGen C0950123, MeSH D030342.

Submission:

Ambry Genetics
Classification: Uncertain significance for Inborn genetic diseases. Last evaluated: 2025-09-19. Review status: criteria provided, single submitter. Criteria: Ambry Variant Classification Scheme 2023. Collection method: clinical testing. Allele origin: germline.
Comment: The p.D357G variant (also known as c.1070A>G), located in coding exon 10 of the DDX41 gene, results from an A to G substitution at nucleotide position 1070. The aspartic acid at codon 357 is replaced by glycine, an amino acid with similar properties. This amino acid position is conserved. In addition, the in silico prediction for this alteration is inconclusive. Based on the available evidence, the clinical significance of this variant remains unclear.

NM_016222.4(DDX41):c.1070A>G (p.Asp357Gly)

Gene: DDX41 (DEAD-box helicase 41; minus strand). Cytogenetic location: 5q35.3.
Variant type: single nucleotide variant.
Coding change: c.1070A>G on transcript NM_016222.4 (MANE Select); coding-DNA position 1070, A replaced by G.
Protein change: p.Asp357Gly; replaces aspartic acid 357 with glycine.
Molecular consequence: missense variant.
Genome position (GRCh38, 1-based): chr5:177,513,713, T>C on the plus strand (A>G on the coding strand, the complement: DDX41 is on the minus strand). VCF-style: chr5-177513713-T-C. GRCh37 (hg19) VCF-style: chr5-176940714-T-C.
Other names: c.692A>G, p.Asp231Gly (NM_001321732.2, NM_001321830.2); short protein forms D231G, D357G.
Identifiers: ClinVar variation 4617124 (VCV004617124.1).